The following is an entry in ClinVar:

NM_000384.3(APOB):c.13315_13319del (p.Ser4438_Gln4439insTer)

Gene: APOB (apolipoprotein B; minus strand). Cytogenetic location: 2p24.1.
Variant type: Microsatellite.
Coding change: c.13315_13319del on transcript NM_000384.3 (MANE Select); coding-DNA positions 13315 to 13319, 5 bases deleted (CAAGT; older notation c.13315_13319delCAAGT).
Protein change: p.Ser4438_Gln4439insTer.
Molecular consequence: nonsense.
Genome position (GRCh38, 1-based): chr2:21,002,103-21,002,107, ACTTG deleted on the plus strand (CAAGT on the coding strand, the reverse complement: APOB is on the minus strand); deleting any 5 consecutive bases within chr2:21,002,103-21,002,113 gives the same sequence; the c. name uses the placement nearest the transcript's 3' end. VCF-style (leftmost placement, unchanged base first): chr2-21002102-AACTTG-A. GRCh37 (hg19) VCF-style: chr2-21224974-AACTTG-A.
Identifiers: ClinVar variation 3751023 (VCV003751023.1).

ClinVar aggregate classification (germline): Uncertain significance (1 of 4 stars; one submission).

Conditions:
Familial hypobetalipoproteinemia 1. Also called: APOB-Related Familial Hypobetalipoproteinemia; Hypobetalipoproteinemia, normotriglyceridemic; Acanthocytosis with hypobetalipoproteinemia. Identifiers: MedGen C4551990, MONDO:0014252, OMIM 615558.
Hypercholesterolemia, autosomal dominant, type B (FHCL2). Also called: Familial Hypercholesterolemia Type B; APOLIPOPROTEIN B-100, FAMILIAL DEFECTIVE; APOLIPOPROTEIN B-100, FAMILIAL LIGAND-DEFECTIVE; HYPERCHOLESTEROLEMIA, FAMILIAL, DUE TO LIGAND-DEFECTIVE APOLIPOPROTEIN B; Hyperlipoproteinemia Type IIb; Familial hypercholesterolemia 2. Identifiers: MedGen C1704417, MONDO:0007751, OMIM 144010.

Submission:

Labcorp Genetics (formerly Invitae), Labcorp
Classification: Uncertain significance for Familial hypobetalipoproteinemia 1; Hypercholesterolemia, autosomal dominant, type B. Last evaluated: 2024-05-31. Review status: criteria provided, single submitter. Criteria: Invitae Variant Classification Sherloc (09022015). Collection method: clinical testing. Allele origin: germline.
Comment: This sequence change creates a premature translational stop signal (p.Gln4439*) in the APOB gene. While this is not anticipated to result in nonsense mediated decay, it is expected to disrupt the last 125 amino acid(s) of the APOB protein. This variant is present in population databases (no rsID available, gnomAD 0.003%). This premature translational stop signal has been observed in individual(s) with hypobetalipoproteinemia (PMID: 33207932). Experimental studies and prediction algorithms are not available or were not evaluated, and the functional significance of this variant is currently unknown. In summary, the available evidence is currently insufficient to determine the role of this variant in disease. Therefore, it has been classified as a Variant of Uncertain Significance.

Literature cited by the submitters: PubMed 33207932.